The following is an entry in ClinVar:

ClinVar aggregate classification (germline): other (0 of 4 stars; one submission).

Conditions:
Familial colorectal cancer. Identifiers: MedGen CN280943, MONDO:0023113. Disease mechanism: loss of function.

Submission:

Systems Biology Platform Zhejiang California International NanoSystems Institute
Classification: other for Familial colorectal cancer. Review status: no assertion criteria provided. Collection method: not provided. Allele origin: unknown.
ClinVar note: Converted during submission from cancer to other.

NC_000005.10:g.112851077T>C

Variant type: single nucleotide variant.
Genome position: GRCh38 VCF-style: chr5-112851077-T-C. GRCh37 (hg19) VCF-style: chr5-112186774-T-C.
Identifiers: ClinVar variation 82674 (VCV000082674.3), dbSNP rs75395853, ClinGen allele CA250814.